The following is an entry in ClinVar:

NM_021072.4(HCN1):c.1462_1465delinsT (p.Leu488_Ser489delinsCys)

Gene: HCN1 (hyperpolarization activated cyclic nucleotide gated potassium channel 1; minus strand). Cytogenetic location: 5p12.
Variant type: Indel.
Coding change: c.1462_1465delinsT on transcript NM_021072.4 (MANE Select); coding-DNA positions 1462 to 1465, CTGA replaced by T.
Protein change: p.Leu488_Ser489delinsCys.
Molecular consequence: inframe indel.
Genome position (GRCh38, 1-based): chr5:45,303,752-45,303,755, TCAG replaced by A on the plus strand (CTGA replaced by T on the coding strand, the reverse complement: HCN1 is on the minus strand). VCF-style: chr5-45303752-TCAG-A. GRCh37 (hg19) VCF-style: chr5-45303854-TCAG-A.
Identifiers: ClinVar variation 5010119 (VCV005010119.1).

ClinVar aggregate classification (germline): Uncertain significance (1 of 4 stars; one submission).

Submission:

GeneDx
Classification: Uncertain significance. Last evaluated: 2026-02-14. Review status: criteria provided, single submitter. Criteria: GeneDx Variant Classification Process June 2021. Collection method: clinical testing. Allele origin: germline.
Comment: Not observed at significant frequency in large population cohorts (gnomAD); In-frame deletion of 2 amino acid(s) and insertion of 1 different amino acid(s) in a non-repeat region; In silico analysis supports a deleterious effect on protein structure/function; Has not been previously published as pathogenic or benign to our knowledge